The following is an entry in ClinVar:

NM_024675.4(PALB2):c.3108T>A (p.Val1036=)

Gene: PALB2 (partner and localizer of BRCA2; minus strand). Cytogenetic location: 16p12.2.
Variant type: single nucleotide variant.
Coding change: c.3108T>A on transcript NM_024675.4 (MANE Select); coding-DNA position 3108, T replaced by A.
Protein change: p.Val1036=; no amino-acid change (valine 1036 retained).
Molecular consequence: synonymous variant.
Genome position (GRCh38, 1-based): chr16:23,621,367, A>T on the plus strand (T>A on the coding strand, the complement: PALB2 is on the minus strand). VCF-style: chr16-23621367-A-T. GRCh37 (hg19) VCF-style: chr16-23632688-A-T.
Other names: c.3108T>A (NM_024675.3).
Identifiers: ClinVar variation 1612958 (VCV001612958.11), dbSNP rs2142326024, ClinGen allele CA494180084.

ClinVar aggregate classification (germline): Benign/Likely benign. Review status: criteria provided, multiple submitters, no conflicts (2 of 4 stars). 3 submissions from 3 submitters: Benign (1); Likely benign (2). Last evaluated 2025-01-21.

Conditions:
Hereditary cancer-predisposing syndrome. Also called: Tumor predisposition; Hereditary neoplastic syndrome; Neoplastic Syndromes, Hereditary; Hereditary Cancer Syndrome. Identifiers: Orphanet 140162, MedGen C0027672, MeSH D009386, MONDO:0015356.
Familial cancer of breast. Also called: hereditary breast carcinoma; Hereditary breast cancer; BREAST CANCER, FAMILIAL. Identifiers: Orphanet 227535, MedGen C0346153, MONDO:0016419, OMIM 114480. Disease mechanism: loss of function.

Allele frequency attached by ClinVar (database versions not stated): gnomAD exomes below 0.00001.
gnomAD v4.1: 2 of 1,606,818 alleles (0.00012%); highest among the groups gnomAD compares: African/African-American, 0.0027%; no homozygotes.

Submissions (3):

Myriad Genetics, Inc.
Classification: Benign for Familial cancer of breast. Last evaluated: 2025-01-21. Review status: criteria provided, single submitter. Criteria: Myriad Autosomal Dominant, Autosomal Recessive and X-Linked Classification Criteria (2023). Collection method: clinical testing. Allele origin: unknown.
Comment: This variant is considered benign. This variant is a silent/synonymous amino acid change and it is not expected to impact splicing.

Ambry Genetics
Classification: Likely benign for Hereditary cancer-predisposing syndrome. Last evaluated: 2024-09-04. Review status: criteria provided, single submitter. Criteria: Ambry Variant Classification Scheme 2023. Collection method: clinical testing. Allele origin: germline.

Labcorp Genetics (formerly Invitae), Labcorp
Classification: Likely benign for Familial cancer of breast. Last evaluated: 2021-10-24. Review status: criteria provided, single submitter. Criteria: Invitae Variant Classification Sherloc (09022015). Collection method: clinical testing. Allele origin: germline.